The following is an entry in ClinVar:

NM_001244949.2(GPAM):c.102+1G>A

Gene: GPAM (glycerol-3-phosphate acyltransferase, mitochondrial; minus strand). Cytogenetic location: 10q25.2.
Variant type: single nucleotide variant.
Coding change: c.102+1G>A on transcript NM_001244949.2 (MANE Select); the canonical splice donor site of the intron after coding-DNA position 102, G replaced by A.
Molecular consequence: splice donor variant.
Genome position (GRCh38, 1-based): chr10:112,181,682, C>T on the plus strand (G>A on the coding strand, the complement: GPAM is on the minus strand). VCF-style: chr10-112181682-C-T. GRCh37 (hg19) VCF-style: chr10-113941440-C-T.
Other names: c.102+1G>A (NM_020918.6).
Identifiers: ClinVar variation 4534769 (VCV004534769.6).
Genomic context (GRCh38, chr10:112,181,682, plus strand): 5'-TAAACATCATTGAAATGAACATTTTTAGGCTGAGTGCTTTTAACTCTTATCCTAAACTTA[C>T]CCATTCCTCACTTGTGTGCTTACATCGACCAACACTGTATTCTGATGAATGTGGCAGATA-3'

ClinVar aggregate classification (germline): Uncertain significance (1 of 4 stars; one submission).

Submission:

CeGaT Center for Human Genetics Tuebingen
Classification: Uncertain significance. Last evaluated: 2025-11-01. Review status: criteria provided, single submitter. Criteria: CeGaT Center For Human Genetics Tuebingen Variant Classification Criteria Version 2. Collection method: clinical testing. Allele origin: germline. Affected: yes. Observed: 1 variant allele.
Comment: GPAM: PM2